The following is an entry in ClinVar:

NM_147127.5(EVC2):c.1807_1808del (p.Gln603fs)

Gene: EVC2 (EvC ciliary complex subunit 2; minus strand). Cytogenetic location: 4p16.2.
Variant type: Deletion.
Coding change: c.1807_1808del on transcript NM_147127.5 (MANE Select); coding-DNA positions 1807 to 1808, 2 bases deleted (CA; older notation c.1807_1808delCA).
Protein change: p.Gln603fs; shifts the reading frame from glutamine 603.
Molecular consequence: frameshift variant.
Genome position (GRCh38, 1-based): chr4:5,628,637-5,628,638, TG deleted on the plus strand (CA on the coding strand, the reverse complement: EVC2 is on the minus strand). VCF-style (leftmost placement, unchanged base first): chr4-5628636-CTG-C. GRCh37 (hg19) VCF-style: chr4-5630363-CTG-C.
Other names: c.1567_1568del, p.Gln523fs (NM_001166136.2); short protein forms Q603fs, Q523fs.
Identifiers: ClinVar variation 2951502 (VCV002951502.3), dbSNP rs2475395843, ClinGen allele CA2740091125.

ClinVar aggregate classification (germline): Pathogenic (1 of 4 stars; one submission).

Conditions:
Ellis-van Creveld syndrome (EVC). Also called: EVC-Related Ellis-van Creveld Syndrome; EVC2-Related Ellis-van Creveld Syndrome; MESOECTODERMAL DYSPLASIA; Chondroectodermal dysplasia. Identifiers: Orphanet 289, MedGen C0013903, MONDO:0009162, OMIM 225500.
Curry-Hall syndrome (WAD). Also called: WEYERS ACRODENTAL DYSOSTOSIS. Identifiers: Orphanet 952, MedGen C0457013, MONDO:0008673, OMIM 193530.

Submission:

Labcorp Genetics (formerly Invitae), Labcorp
Classification: Pathogenic for Curry-Hall syndrome; Ellis-van Creveld syndrome. Last evaluated: 2023-09-01. Review status: criteria provided, single submitter. Criteria: Invitae Variant Classification Sherloc (09022015). Collection method: clinical testing. Allele origin: germline.
Comment: This sequence change creates a premature translational stop signal (p.Gln603Valfs*32) in the EVC2 gene. It is expected to result in an absent or disrupted protein product. Loss-of-function variants in EVC2 are known to be pathogenic (PMID: 17024374, 19810119, 19876929). This variant is not present in population databases (gnomAD no frequency). This variant has not been reported in the literature in individuals affected with EVC2-related conditions. For these reasons, this variant has been classified as Pathogenic.

Literature cited by the submitters: PubMed 17024374; PubMed 19810119; PubMed 19876929.